The following is an entry in ClinVar:

ClinVar aggregate classification (germline): Uncertain significance (1 of 4 stars; one submission).

Submission:

GeneDx
Classification: Uncertain significance. Last evaluated: 2024-04-12. Review status: criteria provided, single submitter. Criteria: GeneDx Variant Classification Process June 2021. Collection method: clinical testing. Allele origin: germline. Affected: yes.
Comment: Not observed at significant frequency in large population cohorts (gnomAD); In silico analysis supports that this missense variant has a deleterious effect on protein structure/function; Has not been previously published as pathogenic or benign to our knowledge

NM_206933.4(USH2A):c.9846T>G (p.Cys3282Trp)

Gene: USH2A (usherin; minus strand). Cytogenetic location: 1q41.
Variant type: single nucleotide variant.
Coding change: c.9846T>G on transcript NM_206933.4 (MANE Select); coding-DNA position 9846, T replaced by G.
Protein change: p.Cys3282Trp; replaces cysteine 3282 with tryptophan.
Molecular consequence: missense variant.
Genome position (GRCh38, 1-based): chr1:215,799,019, A>C on the plus strand (T>G on the coding strand, the complement: USH2A is on the minus strand). VCF-style: chr1-215799019-A-C. GRCh37 (hg19) VCF-style: chr1-215972361-A-C.
Other names: short protein forms C3282W.
Identifiers: ClinVar variation 3372423 (VCV003372423.1).